The following is an entry in ClinVar:

NM_003000.3(SDHB):c.635T>A (p.Leu212His)

Gene: SDHB (succinate dehydrogenase complex iron sulfur subunit B; minus strand). Cytogenetic location: 1p36.13.
Variant type: single nucleotide variant.
Coding change: c.635T>A on transcript NM_003000.3 (MANE Select); coding-DNA position 635, T replaced by A.
Protein change: p.Leu212His; replaces leucine 212 with histidine.
Molecular consequence: missense variant.
Genome position (GRCh38, 1-based): chr1:17,023,980, A>T on the plus strand (T>A on the coding strand, the complement: SDHB is on the minus strand). VCF-style: chr1-17023980-A-T. GRCh37 (hg19) VCF-style: chr1-17350475-A-T.
Other names: short protein forms L212H.
Identifiers: ClinVar variation 935786 (VCV000935786.11), dbSNP rs1307247907, ClinGen allele CA338270936.

ClinVar aggregate classification (germline): Conflicting classifications of pathogenicity. Review status: criteria provided, conflicting classifications (1 of 4 stars). 6 submissions from 6 submitters: Likely pathogenic (1); Uncertain significance (3). 2 of the submissions do not count toward it. Last evaluated 2026-01-07.

Conditions:
Hereditary cancer-predisposing syndrome. Also called: Hereditary neoplastic syndrome; Neoplastic Syndromes, Hereditary; Hereditary Cancer Syndrome; Tumor predisposition. Identifiers: Orphanet 140162, MedGen C0027672, MeSH D009386, MONDO:0015356.
Gastrointestinal stromal tumor. Also called: Gastrointestinal stromal tumor, somatic; Gastrointestinal stroma tumor. Identifiers: Orphanet 44890, MedGen C0238198, MeSH D046152, MONDO:0011719, OMIM 606764, HP:0100723.
Pheochromocytoma/paraganglioma syndrome 4. Also called: CAROTID BODY TUMORS AND MULTIPLE EXTRAADRENAL PHEOCHROMOCYTOMAS; SDHB-Related Hereditary Paraganglioma-Pheochromocytoma Syndrome; Paragangliomas 4; SDHB-Related Hereditary Paraganglioma-Pheochromocytoma Syndrome (Paragangliomas 4); PARAGANGLIOMA, FAMILIAL MALIGNANT; PARAGANGLIOMAS, HEREDITARY EXTRAADRENAL. Identifiers: Orphanet 29072, MedGen C1861848, MONDO:0007273, OMIM 115310.
Pheochromocytoma. Also called: MAX-Related Hereditary Paraganglioma-Pheochromocytoma Syndrome. Identifiers: Orphanet 29072, MedGen C0031511, MONDO:0008233, OMIM 171300, HP:0002666.
Hereditary pheochromocytoma and paraganglioma. Also called: Hereditary pheochromocytoma-paraganglioma; Hereditary Paraganglioma-Pheochromocytoma Syndromes; Hereditary paragangliomas and pheochromocytomas. Identifiers: Orphanet 29072, MedGen C4274332, MONDO:0017366.

Allele frequency attached by ClinVar (database versions not stated): gnomAD 0.00001; TOPMed 0.00001.

Submissions (6):

Labcorp Genetics (formerly Invitae), Labcorp
Classification: Uncertain significance for Gastrointestinal stromal tumor; Pheochromocytoma/paraganglioma syndrome 4; Pheochromocytoma. Last evaluated: 2026-01-07. Review status: criteria provided, single submitter. Criteria: Invitae Variant Classification Sherloc (09022015). Collection method: clinical testing. Allele origin: germline.
Comment: This sequence change replaces leucine, which is neutral and non-polar, with histidine, which is basic and polar, at codon 212 of the SDHB protein (p.Leu212His). This variant is not present in population databases (gnomAD no frequency). This variant has not been reported in the literature in individuals affected with SDHB-related conditions. ClinVar contains an entry for this variant (Variation ID: 935786). Invitae Evidence Modeling of protein sequence and biophysical properties (such as structural, functional, and spatial information, amino acid conservation, physicochemical variation, residue mobility, and thermodynamic stability) indicates that this missense variant is expected to disrupt SDHB protein function with a positive predictive value of 80%. In summary, the available evidence is currently insufficient to determine the role of this variant in disease. Therefore, it has been classified as a Variant of Uncertain Significance.

Color Diagnostics, LLC DBA Color Health
Classification: Uncertain significance for Hereditary pheochromocytoma and paraganglioma. Last evaluated: 2025-06-12. Review status: criteria provided, single submitter. Criteria: ACMG Guidelines, 2015. Collection method: clinical testing. Allele origin: germline.
Comment: This missense variant replaces leucine with histidine at codon 212 of the SDHB protein. Computational prediction suggests that this variant may have deleterious impact on protein structure and function. To our knowledge, functional studies have not been reported for this variant. This variant has not been reported in individuals affected with SDHB-related disorders in the literature. This variant has not been identified in the general population by the Genome Aggregation Database (gnomAD). The available evidence is insufficient to determine the role of this variant in disease conclusively. Therefore, this variant is classified as a Variant of Uncertain Significance.

Ambry Genetics
Classification: Likely pathogenic for Hereditary cancer-predisposing syndrome. Last evaluated: 2023-09-25. Review status: criteria provided, single submitter. Criteria: Ambry Variant Classification Scheme 2023. Collection method: clinical testing. Allele origin: germline.
Comment: The p.L212H variant (also known as c.635T>A), located in coding exon 6 of the SDHB gene, results from a T to A substitution at nucleotide position 635. The leucine at codon 212 is replaced by histidine, an amino acid with similar properties. Based on internal structural analysis, L212H is deleterious. The variant is moderately destabilizing to the local structure and is more destabilizing than several nearby pathogenic variants (Ambry internal data). This amino acid position is highly conserved in available vertebrate species. In addition, this alteration is predicted to be deleterious by in silico analysis. This variant is considered to be rare based on population cohorts in the Genome Aggregation Database (gnomAD). Based on the majority of available evidence to date, this variant is likely to be pathogenic.

GeneDx
Classification: Uncertain significance. Last evaluated: 2023-07-18. Review status: criteria provided, single submitter. Criteria: GeneDx Variant Classification Process June 2021. Collection method: clinical testing. Allele origin: germline. Affected: yes.
Comment: Not observed at significant frequency in large population cohorts (gnomAD); In silico analysis supports that this missense variant has a deleterious effect on protein structure/function; Has not been previously published as pathogenic or benign to our knowledge

Diagnostic Laboratory, Department of Genetics, University Medical Center Groningen
Classification: Uncertain significance. Review status: no assertion criteria provided. Collection method: clinical testing. Allele origin: germline. Affected: yes. Study: VKGL Data-share Consensus. Not counted in ClinVar's aggregate classification.

Genome Diagnostics Laboratory, Amsterdam University Medical Center
Classification: Uncertain significance. Review status: no assertion criteria provided. Collection method: clinical testing. Allele origin: germline. Affected: yes. Study: VKGL Data-share Consensus. Not counted in ClinVar's aggregate classification.